The following is an entry in ClinVar:

NM_001374353.1(GLI2):c.3562C>T (p.Leu1188=)

Gene: GLI2 (GLI family zinc finger 2; plus strand). Cytogenetic location: 2q14.2.
Variant type: single nucleotide variant.
Coding change: c.3562C>T on transcript NM_001374353.1 (MANE Select); coding-DNA position 3562, C replaced by T.
Protein change: p.Leu1188=; no amino-acid change (leucine 1188 retained).
Molecular consequence: synonymous variant.
Genome position (GRCh38, 1-based): chr2:120,989,527, C>T. VCF-style: chr2-120989527-C-T. GRCh37 (hg19) VCF-style: chr2-121747103-C-T.
Other names: c.3613C>T, p.Leu1205= (NM_001371271.1, NM_005270.5); c.3187C>T, p.Leu1063= (NM_001374354.1).
Identifiers: ClinVar variation 744274 (VCV000744274.30), dbSNP rs369264013, ClinGen allele CA1852432.

ClinVar aggregate classification (germline): Likely benign. Review status: criteria provided, multiple submitters, no conflicts (2 of 4 stars). 4 submissions from 4 submitters: Likely benign (4). Last evaluated 2026-04-28.

Conditions:
Postaxial polydactyly-anterior pituitary anomalies-facial dysmorphism syndrome. Also called: Culler-Jones syndrome. Identifiers: Orphanet 420584, MedGen C4014479, MONDO:0014369, OMIM 615849.
Holoprosencephaly 9 (HPE9). Also called: PITUITARY ANOMALIES WITH HOLOPROSENCEPHALY-LIKE FEATURES; HOLOPROSENCEPHALY WITH MICROPHTHALMIA AND FIRST BRANCHIAL ARCH ANOMALIES. Identifiers: Orphanet 2162, MedGen C1835819, MONDO:0012563, OMIM 610829.

Allele frequency attached by ClinVar (database versions not stated): gnomAD 0.00003; ExAC 0.00004; gnomAD exomes 0.00004; TOPMed 0.00005; ESP Exome Variant Server 0.00008.
gnomAD v4.1: 51 of 1,612,306 alleles (0.0032%); highest among the groups gnomAD compares: Admixed American, 0.01%; 1 homozygote.

Submissions (4):

Women's Health and Genetics/Laboratory Corporation of America, LabCorp
Classification: Likely benign. Last evaluated: 2026-04-28. Review status: criteria provided, single submitter. Criteria: LabCorp Variant Classification Summary - May 2015. Collection method: clinical testing. Allele origin: germline.

Blueprint Genetics
Classification: Likely benign. Last evaluated: 2024-11-18. Review status: criteria provided, single submitter. Criteria: ACMG Guidelines, 2015. Collection method: clinical testing. Allele origin: germline.

CeGaT Center for Human Genetics Tuebingen
Classification: Likely benign. Last evaluated: 2022-03-01. Review status: criteria provided, single submitter. Criteria: CeGaT Center For Human Genetics Tuebingen Variant Classification Criteria Version 2. Collection method: clinical testing. Allele origin: germline. Affected: yes. Observed: 1 variant allele.
Comment: GLI2: BP4, BP7

Labcorp Genetics (formerly Invitae), Labcorp
Classification: Likely benign for Culler-Jones syndrome; Holoprosencephaly 9. Last evaluated: 2019-12-31. Review status: criteria provided, single submitter. Criteria: Invitae Variant Classification Sherloc (09022015). Collection method: clinical testing. Allele origin: germline.